The following is an entry in ClinVar:

NM_004484.4(GPC3):c.757G>A (p.Gly253Ser)

Gene: GPC3 (glypican 3; minus strand). Cytogenetic location: Xq26.2.
Variant type: single nucleotide variant.
Coding change: c.757G>A on transcript NM_004484.4 (MANE Select); coding-DNA position 757, G replaced by A.
Protein change: p.Gly253Ser; replaces glycine 253 with serine.
Molecular consequence: missense variant.
Genome position (GRCh38, 1-based): chrX:133,753,757, C>T on the plus strand (G>A on the coding strand, the complement: GPC3 is on the minus strand). VCF-style: chrX-133753757-C-T. GRCh37 (hg19) VCF-style: chrX-132887784-C-T.
Other names: c.757G>A, p.Gly253Ser (NM_001164617.2); c.709G>A, p.Gly237Ser (NM_001164618.2); c.595G>A, p.Gly199Ser (NM_001164619.2); short protein forms G199S, G237S, G253S.
Identifiers: ClinVar variation 1410737 (VCV001410737.6), dbSNP rs2124480212, ClinGen allele CA414705920.

ClinVar aggregate classification (germline): Uncertain significance (1 of 4 stars; one submission).

Conditions:
Wilms tumor 1 (WT1). Also called: Wilms tumor, somatic. Identifiers: Orphanet 654, MedGen CN033288, MONDO:0008679, OMIM 194070.

Submission:

Labcorp Genetics (formerly Invitae), Labcorp
Classification: Uncertain significance for Wilms tumor 1. Last evaluated: 2021-10-18. Review status: criteria provided, single submitter. Criteria: Invitae Variant Classification Sherloc (09022015). Collection method: clinical testing. Allele origin: germline.
Comment: In summary, the available evidence is currently insufficient to determine the role of this variant in disease. Therefore, it has been classified as a Variant of Uncertain Significance. Algorithms developed to predict the effect of missense changes on protein structure and function output the following: SIFT: "Tolerated"; PolyPhen-2: "Benign"; Align-GVGD: "Class C0". The serine amino acid residue is found in multiple mammalian species, which suggests that this missense change does not adversely affect protein function. This variant has not been reported in the literature in individuals affected with GPC3-related conditions. This variant is not present in population databases (ExAC no frequency). This sequence change replaces glycine with serine at codon 253 of the GPC3 protein (p.Gly253Ser). The glycine residue is highly conserved and there is a small physicochemical difference between glycine and serine.